The following is an entry in ClinVar:

NM_001134831.2(AHI1):c.244G>A (p.Val82Ile)

Gene: AHI1 (Abelson helper integration site 1; minus strand). Cytogenetic location: 6q23.3.
Variant type: single nucleotide variant.
Coding change: c.244G>A on transcript NM_001134831.2 (MANE Select); coding-DNA position 244, G replaced by A.
Protein change: p.Val82Ile; replaces valine 82 with isoleucine.
Molecular consequence: missense variant.
Genome position (GRCh38, 1-based): chr6:135,466,319, C>T on the plus strand (G>A on the coding strand, the complement: AHI1 is on the minus strand). VCF-style: chr6-135466319-C-T. GRCh37 (hg19) VCF-style: chr6-135787457-C-T.
Other names: c.244G>A, p.Val82Ile (NM_001134830.2, NM_001134832.2, NM_001350503.2 and 2 more transcripts); short protein forms V82I.
Identifiers: ClinVar variation 1484650 (VCV001484650.3), dbSNP rs2128098836, ClinGen allele CA365752259.

ClinVar aggregate classification (germline): Uncertain significance (1 of 4 stars; one submission).

Conditions:
Joubert syndrome. Also called: CEREBELLOPARENCHYMAL DISORDER IV; JOUBERT-BOLTSHAUSER SYNDROME; Familial aplasia of the vermis. Identifiers: Orphanet 475, MedGen C5979921, MONDO:0018772.

Allele frequency attached by ClinVar (database versions not stated): gnomAD exomes below 0.00001.
gnomAD v4.1: 3 of 1,613,916 alleles (0.00019%); highest among the groups gnomAD compares: Non-Finnish European, 0.00025%; no homozygotes.

Submission:

Labcorp Genetics (formerly Invitae), Labcorp
Classification: Uncertain significance for Joubert syndrome. Last evaluated: 2022-03-10. Review status: criteria provided, single submitter. Criteria: Invitae Variant Classification Sherloc (09022015). Collection method: clinical testing. Allele origin: germline.
Comment: This sequence change replaces valine, which is neutral and non-polar, with isoleucine, which is neutral and non-polar, at codon 82 of the AHI1 protein (p.Val82Ile). This variant is not present in population databases (gnomAD no frequency). This variant has not been reported in the literature in individuals affected with AHI1-related conditions. Advanced modeling of protein sequence and biophysical properties (such as structural, functional, and spatial information, amino acid conservation, physicochemical variation, residue mobility, and thermodynamic stability) performed at Invitae indicates that this missense variant is not expected to disrupt AHI1 protein function. In summary, the available evidence is currently insufficient to determine the role of this variant in disease. Therefore, it has been classified as a Variant of Uncertain Significance.